The following is an entry in ClinVar:

NM_025137.4(SPG11):c.2835-12A>G

Gene: SPG11 (SPG11 vesicle trafficking associated, spatacsin; minus strand). Cytogenetic location: 15q21.1.
Variant type: single nucleotide variant.
Coding change: c.2835-12A>G on transcript NM_025137.4 (MANE Select); 12 bases into the intron before coding-DNA position 2835, A replaced by G.
Molecular consequence: intron variant.
Genome position (GRCh38, 1-based): chr15:44,615,578, T>C on the plus strand (A>G on the coding strand, the complement: SPG11 is on the minus strand). VCF-style: chr15-44615578-T-C. GRCh37 (hg19) VCF-style: chr15-44907776-T-C.
Other names: c.2835-12A>G (NM_001411132.1, NM_001160227.2).
Identifiers: ClinVar variation 3718501 (VCV003718501.2).
Genomic context (GRCh38, chr15:44,615,578, plus strand): 5'-GAGGAAGCATTCAAAGTCTTCCAGTTCAGATGCCAAAAAAACCCCATTCCTATGGACAGA[T>C]TTATAGGATGTCAAGTTAAAAAGTTGCTATGTTCAGAGTAGACCAAATCATGCCCACAGT-3'

ClinVar aggregate classification (germline): Uncertain significance (1 of 4 stars; one submission).

Conditions:
Hereditary spastic paraplegia 11. Also called: SPASTIC PARAPLEGIA, AUTOSOMAL RECESSIVE, COMPLICATED, WITH THIN CORPUS CALLOSUM; SPASTIC PARAPLEGIA, AUTOSOMAL RECESSIVE, WITH MENTAL IMPAIRMENT AND THIN CORPUS CALLOSUM; Spastic paraplegia, mental retardation and thin corpus callosum; Nakamura Osame syndrome; Autosomal recessive hereditary spastic paraplegia, mental impairment, and thin corpus callosum; Spastic Paraplegia 11. Identifiers: Orphanet 2822, MedGen C1858479, MONDO:0011445, OMIM 604360.

gnomAD v4.1: 4 of 1,613,172 alleles (0.00025%); highest among the groups gnomAD compares: Non-Finnish European, 0.00034%; no homozygotes.

Submission:

Labcorp Genetics (formerly Invitae), Labcorp
Classification: Uncertain significance for Hereditary spastic paraplegia 11. Last evaluated: 2025-10-01. Review status: criteria provided, single submitter. Criteria: Invitae Variant Classification Sherloc (09022015). Collection method: clinical testing. Allele origin: germline.
Comment: This sequence change falls in intron 15 of the SPG11 gene. It does not directly change the encoded amino acid sequence of the SPG11 protein. This variant is present in population databases (no rsID available, gnomAD 0.0009%). This variant has not been reported in the literature in individuals affected with SPG11-related conditions. ClinVar contains an entry for this variant (Variation ID: 3718501). Algorithms developed to predict the effect of sequence changes on RNA splicing suggest that this variant may disrupt the consensus splice site. In summary, the available evidence is currently insufficient to determine the role of this variant in disease. Therefore, it has been classified as a Variant of Uncertain Significance.